The following is an entry in ClinVar:

NC_000022.11:g.(?_28734393)_(28734731_?)del

Gene: CHEK2 (checkpoint kinase 2; minus strand). Cytogenetic location: 22q12.1.
Variant type: Deletion.
Identifiers: ClinVar variation 583844 (VCV000583844.4).

ClinVar aggregate classification (germline): Pathogenic (1 of 4 stars; one submission).

Conditions:
Familial cancer of breast. Also called: Hereditary breast cancer; hereditary breast carcinoma; BREAST CANCER, FAMILIAL. Identifiers: Orphanet 227535, MedGen C0346153, MONDO:0016419, OMIM 114480. Disease mechanism: loss of function.

Submission:

Labcorp Genetics (formerly Invitae), Labcorp
Classification: Pathogenic for Hereditary Breast Carcinoma. Last evaluated: 2019-04-07. Review status: criteria provided, single submitter. Criteria: Invitae Variant Classification Sherloc (09022015). Collection method: clinical testing. Allele origin: germline.
Comment: This variant is a gross deletion of the genomic region encompassing exon 2 of the CHEK2 gene, which includes the initiator codon. The 5' end of this event is unknown as it extends beyond the assayed region for this gene and therefore may encompass additional genes. The 3' boundary is likely confined to intron 2 of the CHEK2 gene. This is expected to result in an absent or disrupted protein product. Deletion of exon 2 has not been reported in the literature in individuals with CHEK2-related disease. Loss-of-function variants in CHEK2 are known to be pathogenic (PMID: 21876083, 24713400). For these reasons, this variant has been classified as Pathogenic.